The following is an entry in ClinVar:

NM_024642.5(GALNT12):c.1583A>G (p.Asn528Ser)

Gene: GALNT12 (polypeptide N-acetylgalactosaminyltransferase 12; plus strand). Cytogenetic location: 9q22.33.
Variant type: single nucleotide variant.
Coding change: c.1583A>G on transcript NM_024642.5 (MANE Select); coding-DNA position 1583, A replaced by G.
Protein change: p.Asn528Ser; replaces asparagine 528 with serine.
Molecular consequence: missense variant.
Genome position (GRCh38, 1-based): chr9:98,846,101, A>G. VCF-style: chr9-98846101-A-G. GRCh37 (hg19) VCF-style: chr9-101608383-A-G.
Other names: short protein forms N528S.
Identifiers: ClinVar variation 819587 (VCV000819587.18), dbSNP rs142096902, ClinGen allele CA5154318.

ClinVar aggregate classification (germline): Uncertain significance. Review status: criteria provided, multiple submitters, no conflicts (2 of 4 stars). 4 submissions from 4 submitters: Uncertain significance (4). Last evaluated 2025-05-01.

Conditions:
Colorectal cancer, susceptibility to, 1. Also called: COLORECTAL ADENOMA AND CANCER, SUSCEPTIBILITY TO; COLORECTAL CANCER, SUSCEPTIBILITY TO, ON CHROMOSOME 9. Identifiers: MedGen C1837315, MONDO:0012132, OMIM 608812.

Allele frequency attached by ClinVar (database versions not stated): gnomAD exomes 0.00001 and 0.00003; ExAC 0.00003; gnomAD 0.00011; TOPMed 0.00014; ESP Exome Variant Server 0.00015.
gnomAD v4.1: 36 of 1,614,084 alleles (0.0022%); highest among the groups gnomAD compares: African/African-American, 0.037%; no homozygotes.

Submissions (4):

Ambry Genetics
Classification: Uncertain significance. Last evaluated: 2025-05-01. Review status: criteria provided, single submitter. Criteria: Ambry Variant Classification Scheme 2023. Collection method: clinical testing. Allele origin: germline.

Labcorp Genetics (formerly Invitae), Labcorp
Classification: Uncertain significance. Last evaluated: 2024-12-22. Review status: criteria provided, single submitter. Criteria: Invitae Variant Classification Sherloc (09022015). Collection method: clinical testing. Allele origin: germline.
Comment: This sequence change replaces asparagine, which is neutral and polar, with serine, which is neutral and polar, at codon 528 of the GALNT12 protein (p.Asn528Ser). This variant is present in population databases (rs142096902, gnomAD 0.02%). This variant has not been reported in the literature in individuals affected with GALNT12-related conditions. ClinVar contains an entry for this variant (Variation ID: 819587). Invitae Evidence Modeling of protein sequence and biophysical properties (such as structural, functional, and spatial information, amino acid conservation, physicochemical variation, residue mobility, and thermodynamic stability) indicates that this missense variant is not expected to disrupt GALNT12 protein function with a negative predictive value of 80%. In summary, the available evidence is currently insufficient to determine the role of this variant in disease. Therefore, it has been classified as a Variant of Uncertain Significance.

Baylor Genetics
Classification: Uncertain significance for Colorectal cancer, susceptibility to, 1. Last evaluated: 2024-03-26. Review status: criteria provided, single submitter. Criteria: ACMG Guidelines, 2015. Collection method: clinical testing. Allele origin: unknown.

Quest Diagnostics Nichols Institute San Juan Capistrano
Classification: Uncertain significance. Last evaluated: 2022-09-28. Review status: criteria provided, single submitter. Criteria: Quest Diagnostics criteria. Collection method: clinical testing. Allele origin: unknown.
Comment: To the best of our knowledge, the variant has not been reported in the published literature. The frequency of this variant in the general population, 0.00028 (7/24960 chromosomes in African/African American subpopulation), is higher than would generally be expected for pathogenic variants in this gene. Analysis of this variant using bioinformatics tools for the prediction of the effect of amino acid changes on protein structure and function yielded predictions that this variant is benign. Based on the available information, we are unable to determine the clinical significance of this variant.